The following is an entry in ClinVar:

NM_004963.4(GUCY2C):c.616C>G (p.Leu206Val)

Genes: GUCY2C (guanylate cyclase 2C; minus strand), GUCY2C-AS1 (GUCY2C antisense RNA 1; plus strand). Cytogenetic location: 12p12.3.
Variant type: single nucleotide variant.
Coding change: c.616C>G on transcript NM_004963.4 (MANE Select); coding-DNA position 616, C replaced by G.
Protein change: p.Leu206Val; replaces leucine 206 with valine.
Molecular consequence: missense variant.
Genome position (GRCh38, 1-based): chr12:14,681,473, G>C on the plus strand (C>G on the coding strand, the complement: GUCY2C is on the minus strand). VCF-style: chr12-14681473-G-C. GRCh37 (hg19) VCF-style: chr12-14834407-G-C.
Other names: short protein forms L206V.
Identifiers: ClinVar variation 1483867 (VCV001483867.8), dbSNP rs922629796, ClinGen allele CA233236135.

ClinVar aggregate classification (germline): Uncertain significance (1 of 4 stars; one submission).

Submission:

Labcorp Genetics (formerly Invitae), Labcorp
Classification: Uncertain significance. Last evaluated: 2025-04-07. Review status: criteria provided, single submitter. Criteria: Invitae Variant Classification Sherloc (09022015). Collection method: clinical testing. Allele origin: germline.
Comment: This sequence change replaces leucine, which is neutral and non-polar, with valine, which is neutral and non-polar, at codon 206 of the GUCY2C protein (p.Leu206Val). This variant is not present in population databases (gnomAD no frequency). This variant has not been reported in the literature in individuals affected with GUCY2C-related conditions. ClinVar contains an entry for this variant (Variation ID: 1483867). Invitae Evidence Modeling of protein sequence and biophysical properties (such as structural, functional, and spatial information, amino acid conservation, physicochemical variation, residue mobility, and thermodynamic stability) indicates that this missense variant is not expected to disrupt GUCY2C protein function with a negative predictive value of 80%. In summary, the available evidence is currently insufficient to determine the role of this variant in disease. Therefore, it has been classified as a Variant of Uncertain Significance.